The following is an entry in ClinVar:

NM_003491.4(NAA10):c.583C>A (p.Arg195Ser)

Gene: NAA10 (N-alpha-acetyltransferase 10, NatA catalytic subunit; minus strand). Cytogenetic location: Xq28.
Variant type: single nucleotide variant.
Coding change: c.583C>A on transcript NM_003491.4 (MANE Select); coding-DNA position 583, C replaced by A.
Protein change: p.Arg195Ser; replaces arginine 195 with serine.
Molecular consequence: missense variant.
Genome position (GRCh38, 1-based): chrX:153,930,112, G>T on the plus strand (C>A on the coding strand, the complement: NAA10 is on the minus strand). VCF-style: chrX-153930112-G-T. GRCh37 (hg19) VCF-style: chrX-153195565-G-T.
Other names: c.538C>A, p.Arg180Ser (NM_001256119.2); c.565C>A, p.Arg189Ser (NM_001256120.2); short protein forms R180S, R189S, R195S.
Identifiers: ClinVar variation 3375727 (VCV003375727.1).

ClinVar aggregate classification (germline): Uncertain significance (1 of 4 stars; one submission).

Submission:

GeneDx
Classification: Uncertain significance. Last evaluated: 2024-05-10. Review status: criteria provided, single submitter. Criteria: GeneDx Variant Classification Process June 2021. Collection method: clinical testing. Allele origin: germline. Affected: yes.
Comment: Not observed at significant frequency in large population cohorts (gnomAD); In silico analysis indicates that this missense variant does not alter protein structure/function; Has not been previously published as pathogenic or benign to our knowledge